The following is an entry in ClinVar:

NM_002972.4(SBF1):c.3283+5A>G

Gene: SBF1 (SET binding factor 1; minus strand). Cytogenetic location: 22q13.33.
Variant type: single nucleotide variant.
Coding change: c.3283+5A>G on transcript NM_002972.4 (MANE Select); 5 bases into the intron after coding-DNA position 3283, A replaced by G.
Molecular consequence: intron variant.
Genome position (GRCh38, 1-based): chr22:50,460,267, T>C on the plus strand (A>G on the coding strand, the complement: SBF1 is on the minus strand). VCF-style: chr22-50460267-T-C. GRCh37 (hg19) VCF-style: chr22-50898696-T-C.
Other names: c.3286+5A>G (NM_001365819.1).
Identifiers: ClinVar variation 1516999 (VCV001516999.6), dbSNP rs2067448784, ClinGen allele CA2410867361.

ClinVar aggregate classification (germline): Uncertain significance (1 of 4 stars; one submission).

Submission:

Labcorp Genetics (formerly Invitae), Labcorp
Classification: Uncertain significance. Last evaluated: 2021-09-04. Review status: criteria provided, single submitter. Criteria: Invitae Variant Classification Sherloc (09022015). Collection method: clinical testing. Allele origin: germline.
Comment: This sequence change falls in intron 25 of the SBF1 gene. It does not directly change the encoded amino acid sequence of the SBF1 protein. It affects a nucleotide within the consensus splice site of the intron. In summary, the available evidence is currently insufficient to determine the role of this variant in disease. Therefore, it has been classified as a Variant of Uncertain Significance. Variants that disrupt the consensus splice site are a relatively common cause of aberrant splicing (PMID: 17576681, 9536098). Algorithms developed to predict the effect of sequence changes on RNA splicing suggest that this variant may create or strengthen a splice site. This variant has not been reported in the literature in individuals affected with SBF1-related conditions. This variant is not present in population databases (ExAC no frequency).

Literature cited by the submitters: PubMed 17576681; PubMed 9536098.